The following is an entry in ClinVar:

ClinVar aggregate classification (germline): Pathogenic/Likely pathogenic. Review status: criteria provided, multiple submitters, no conflicts (2 of 4 stars). 2 submissions from 2 submitters: Pathogenic (1); Likely pathogenic (1). Last evaluated 2024-11-03.

Conditions:
IMPG2-related disorders.

Submissions (2):

Labcorp Genetics (formerly Invitae), Labcorp
Classification: Pathogenic. Last evaluated: 2024-11-03. Review status: criteria provided, single submitter. Criteria: Invitae Variant Classification Sherloc (09022015). Collection method: clinical testing. Allele origin: germline.
Comment: This sequence change creates a premature translational stop signal (p.Glu914Lysfs*19) in the IMPG2 gene. It is expected to result in an absent or disrupted protein product. Loss-of-function variants in IMPG2 are known to be pathogenic (PMID: 20673862). This variant is present in population databases (no rsID available, gnomAD 0.003%). This variant has not been reported in the literature in individuals affected with IMPG2-related conditions. Algorithms developed to predict the effect of sequence changes on RNA splicing suggest that this variant may disrupt the consensus splice site. For these reasons, this variant has been classified as Pathogenic.

Blueprint Genetics
Classification: Likely pathogenic for IMPG2-related disorders. Last evaluated: 2020-01-20. Review status: criteria provided, single submitter. Criteria: ACMG Guidelines, 2015. Collection method: clinical testing. Allele origin: germline. Affected: yes. Observed: 1 variant allele.

Literature cited by the submitters: PubMed 20673862 (cited by Labcorp Genetics (formerly Invitae), Labcorp).

NM_016247.4(IMPG2):c.2739del (p.Glu914fs)

Gene: IMPG2 (interphotoreceptor matrix proteoglycan 2; minus strand). Cytogenetic location: 3q12.3.
Variant type: Deletion.
Coding change: c.2739del on transcript NM_016247.4 (MANE Select); coding-DNA position 2739, one base deleted (A; older notation c.2739delA).
Protein change: p.Glu914fs; shifts the reading frame from glutamic acid 914.
Molecular consequence: frameshift variant.
Genome position (GRCh38, 1-based): chr3:101,243,592, T deleted on the plus strand (A on the coding strand, the reverse complement: IMPG2 is on the minus strand). VCF-style (leftmost placement, unchanged base first): chr3-101243591-CT-C. GRCh37 (hg19) VCF-style: chr3-100962435-CT-C.
Other names: short protein forms E914fs.
Identifiers: ClinVar variation 3724549 (VCV003724549.3).